The following is an entry in ClinVar:

NM_002458.3(MUC5B):c.10882C>A (p.Arg3628=)

Genes: MUC5B (mucin 5B, oligomeric mucus/gel-forming; plus strand), MUC5B-AS1 (MUC5B antisense RNA 1; minus strand). Cytogenetic location: 11p15.5.
Variant type: single nucleotide variant.
Coding change: c.10882C>A on transcript NM_002458.3 (MANE Select); coding-DNA position 10882, C replaced by A.
Protein change: p.Arg3628=; no amino-acid change (arginine 3628 retained).
Molecular consequence: synonymous variant.
Genome position (GRCh38, 1-based): chr11:1,247,762, C>A. VCF-style: chr11-1247762-C-A. GRCh37 (hg19) VCF-style: chr11-1268992-C-A.
Identifiers: ClinVar variation 2641270 (VCV002641270.24), dbSNP rs376672533, ClinGen allele CA472453064.
Genomic context (GRCh38, chr11:1,247,762, plus strand): 5'-GTCTGTGAGCAGCCCCTGGGCCTCGAGTGCCGTGCCCAGGCCCAGCCTGGTGTCCCCCTG[C>A]GGGAGTTGGGCCAGGTCGTGGAATGCAGCCTGGACTTTGGCCTGGTCTGCAGGAACCGTG-3'
Protein context (NP_002449.2, residues 3618-3638): RAQAQPGVPL[Arg3628=]ELGQVVECSL

ClinVar aggregate classification (germline): Likely benign (1 of 4 stars; one submission).

gnomAD v4.1: 2 of 1,606,818 alleles (0.00012%); highest among the groups gnomAD compares: Non-Finnish European, 0.000085%; no homozygotes.

Submission:

CeGaT Center for Human Genetics Tuebingen
Classification: Likely benign. Last evaluated: 2022-06-01. Review status: criteria provided, single submitter. Criteria: CeGaT Center For Human Genetics Tuebingen Variant Classification Criteria Version 2. Collection method: clinical testing. Allele origin: germline. Affected: yes. Observed: 1 variant allele.
Comment: MUC5B: BP4, BP7